The following is an entry in ClinVar:

NM_001018115.3(FANCD2):c.3187_3194del (p.Gln1063fs)

Genes: FANCD2 (FA complementation group D2; plus strand), FANCD2OS (FANCD2 opposite strand; minus strand). Cytogenetic location: 3p25.3.
Variant type: Deletion.
Coding change: c.3187_3194del on transcript NM_001018115.3 (MANE Select); coding-DNA positions 3187 to 3194, 8 bases deleted (CAGAGGCT; older notation c.3187_3194delCAGAGGCT).
Protein change: p.Gln1063fs; shifts the reading frame from glutamine 1063.
Molecular consequence: frameshift variant. On other transcripts: 3 prime UTR variant (1).
Genome position (GRCh38, 1-based): chr3:10,081,427-10,081,434, CAGAGGCT deleted; deleting any 8 consecutive bases within chr3:10,081,426-10,081,434 gives the same sequence; the c. name uses the placement nearest the transcript's 3' end. VCF-style (leftmost placement, unchanged base first): chr3-10081425-ATCAGAGGC-A. GRCh37 (hg19) VCF-style: chr3-10123109-ATCAGAGGC-A.
Other names: c.*142_*149del (NM_173472.2); c.3187_3194del, p.Gln1063fs (NM_001319984.2, NM_001374254.1, NM_033084.6); c.3076_3083del, p.Gln1026fs (NM_001374253.1); short protein forms Q1063fs, Q1026fs.
Identifiers: ClinVar variation 1457282 (VCV001457282.7), dbSNP rs2125060144, ClinGen allele CA2573136021.

ClinVar aggregate classification (germline): Pathogenic (1 of 4 stars; one submission).

Conditions:
Fanconi anemia (FA). Also called: Fanconi's anemia. Identifiers: Orphanet 84, MedGen C0015625, MeSH D005199, MONDO:0019391.

Submission:

Labcorp Genetics (formerly Invitae), Labcorp
Classification: Pathogenic for Fanconi anemia. Last evaluated: 2021-11-14. Review status: criteria provided, single submitter. Criteria: Invitae Variant Classification Sherloc (09022015). Collection method: clinical testing. Allele origin: germline.
Comment: For these reasons, this variant has been classified as Pathogenic. This variant has not been reported in the literature in individuals affected with FANCD2-related conditions. This variant is not present in population databases (gnomAD no frequency). This sequence change creates a premature translational stop signal (p.Gln1063Alafs*17) in the FANCD2 gene. It is expected to result in an absent or disrupted protein product. Loss-of-function variants in FANCD2 are known to be pathogenic (PMID: 17436244).

Literature cited by the submitters: PubMed 17436244.